The following is an entry in ClinVar:

NM_001754.5(RUNX1):c.352G>A (p.Val118Met)

Genes: RUNX1 (RUNX family transcription factor 1; minus strand), RUNX1-AS1 (RUNX1 antisense RNA 1; plus strand). Cytogenetic location: 21q22.12.
Variant type: single nucleotide variant.
Coding change: c.352G>A on transcript NM_001754.5 (MANE Select); coding-DNA position 352, G replaced by A.
Protein change: p.Val118Met; replaces valine 118 with methionine.
Molecular consequence: missense variant.
Genome position (GRCh38, 1-based): chr21:34,880,713, C>T on the plus strand (G>A on the coding strand, the complement: RUNX1 is on the minus strand). VCF-style: chr21-34880713-C-T. GRCh37 (hg19) VCF-style: chr21-36253010-C-T.
Other names: NM_001754.5(RUNX1):c.352G>A; p.Val118Met; c.271G>A, p.Val91Met (NM_001001890.3, NM_001122607.2); short protein forms V118M, V91M.
Identifiers: ClinVar variation 2791325 (VCV002791325.5), dbSNP rs2057890361, ClinGen allele CA410202792.

ClinVar aggregate classification (germline): Uncertain significance. Review status: reviewed by expert panel (3 of 4 stars). 3 submissions from 3 submitters: Uncertain significance (1). 2 of the submissions do not count toward it. Last evaluated 2024-09-16.

Conditions:
Inborn genetic diseases. Identifiers: MedGen C0950123, MeSH D030342.
Hereditary thrombocytopenia and hematological cancer predisposition syndrome associated with RUNX1. Also called: Familial Platelet Disorder with Propensity to Acute Myelogenous Leukemia; Familial thrombocytopenia with propensity to acute myelogenous leukemia; PLATELET DISORDER, ASPIRIN-LIKE; RUNX1 Familial Platelet Disorder with Associated Myeloid Malignancies. Identifiers: Orphanet 71290, MedGen C1832388, MeSH C563324, MONDO:0100083, OMIM 601399.
Hereditary thrombocytopenia and hematologic cancer predisposition syndrome. Identifiers: Orphanet 71290, MedGen CN281654, MONDO:0011071.

Submissions (3):

ClinGen Myeloid Malignancy Variant Curation Expert Panel
Classification: Uncertain significance for Hereditary thrombocytopenia and hematologic cancer predisposition syndrome. Last evaluated: 2024-09-16. Review status: reviewed by expert panel. Criteria: ClinGen MyeloMalig ACMG Specifications v2. Collection method: curation. Allele origin: germline. Inheritance: Autosomal dominant inheritance.
Comment: NM_001754.5(RUNX1):c.352G>A (p.Val118Met) is a missense variant which is completely absent from all population databases with at least 20x coverage for RUNX1 (PM2_supporting). This missense variant has a REVEL score ≥ 0.88 (0.923) (PP3). It is located within the Runt Homology Domain (AA 89-204), but does not occur in an established hotspot residue (PM1_supporting). In summary, the clinical significance of this variant is uncertain. ACMG/AMP criteria applied, as specified by the Myeloid Malignancy Variant Curation Expert Panel for RUNX1: PM2_supporting, PP3, PM1_supporting.

Ambry Genetics
Classification: Uncertain significance for Inborn genetic diseases. Last evaluated: 2024-12-30. Review status: criteria provided, single submitter. Criteria: Ambry Variant Classification Scheme 2023. Collection method: clinical testing. Allele origin: germline. Not counted in ClinVar's aggregate classification.
Comment: The p.V118M variant (also known as c.352G>A) is located in coding exon 4 of the RUNX1 gene. The valine at codon 118 is replaced by methionine, an amino acid with highly similar properties. This change occurs in the first base pair of coding exon 4. This amino acid position is highly conserved in available vertebrate species. In addition, this alteration is predicted to be deleterious by in silico analysis. Based on the available evidence, the clinical significance of this variant remains unclear.

Labcorp Genetics (formerly Invitae), Labcorp
Classification: Uncertain significance for Hereditary thrombocytopenia and hematological cancer predisposition syndrome associated with RUNX1. Last evaluated: 2023-10-11. Review status: criteria provided, single submitter. Criteria: Invitae Variant Classification Sherloc (09022015). Collection method: clinical testing. Allele origin: germline. Not counted in ClinVar's aggregate classification.
Comment: This sequence change replaces valine, which is neutral and non-polar, with methionine, which is neutral and non-polar, at codon 118 of the RUNX1 protein (p.Val118Met). This variant is not present in population databases (gnomAD no frequency). This variant has not been reported in the literature in individuals affected with RUNX1-related conditions. An algorithm developed to predict the effect of missense changes on protein structure and function (PolyPhen-2) suggests that this variant is likely to be disruptive. In summary, the available evidence is currently insufficient to determine the role of this variant in disease. Therefore, it has been classified as a Variant of Uncertain Significance.